The following is an entry in ClinVar:

ClinVar aggregate classification (germline): Uncertain significance (1 of 4 stars; one submission).

Allele frequency attached by ClinVar (database versions not stated): ExAC 0.00001; gnomAD 0.00001.
gnomAD v4.1: 4 of 1,599,402 alleles (0.00025%); highest among the groups gnomAD compares: Admixed American, 0.0018%; no homozygotes.

Submission:

Labcorp Genetics (formerly Invitae), Labcorp
Classification: Uncertain significance. Last evaluated: 2022-12-02. Review status: criteria provided, single submitter. Criteria: Invitae Variant Classification Sherloc (09022015). Collection method: clinical testing. Allele origin: germline.
Comment: In summary, the available evidence is currently insufficient to determine the role of this variant in disease. Therefore, it has been classified as a Variant of Uncertain Significance. Algorithms developed to predict the effect of missense changes on protein structure and function (SIFT, PolyPhen-2, Align-GVGD) all suggest that this variant is likely to be tolerated. This variant has not been reported in the literature in individuals affected with DMXL2-related conditions. This variant is present in population databases (rs754937594, gnomAD 0.0009%). This sequence change replaces valine, which is neutral and non-polar, with isoleucine, which is neutral and non-polar, at codon 2775 of the DMXL2 protein (p.Val2775Ile).

NM_001378457.1(DMXL2):c.8386G>A (p.Val2796Ile)

Gene: DMXL2 (Dmx like 2; minus strand). Cytogenetic location: 15q21.2.
Variant type: single nucleotide variant.
Coding change: c.8386G>A on transcript NM_001378457.1 (MANE Select); coding-DNA position 8386, G replaced by A.
Protein change: p.Val2796Ile; replaces valine 2796 with isoleucine.
Molecular consequence: missense variant. On other transcripts: non-coding transcript variant (2).
Genome position (GRCh38, 1-based): chr15:51,456,321, C>T on the plus strand (G>A on the coding strand, the complement: DMXL2 is on the minus strand). VCF-style: chr15-51456321-C-T. GRCh37 (hg19) VCF-style: chr15-51748518-C-T.
Other names: c.8323G>A, p.Val2775Ile (NM_001174116.3); c.6412G>A, p.Val2138Ile (NM_001174117.3); c.8383G>A, p.Val2795Ile (NM_001378458.1); c.8098G>A, p.Val2700Ile (NM_001378459.1); c.6301G>A, p.Val2101Ile (NM_001378460.1); c.8320G>A, p.Val2774Ile (NM_015263.5); short protein forms V2774I, V2795I, V2138I, V2796I, V2775I, V2101I, V2700I.
Identifiers: ClinVar variation 1906515 (VCV001906515.3), dbSNP rs754937594, ClinGen allele CA7561061.